The following is an entry in ClinVar:

NM_020987.5(ANK3):c.8508T>C (p.His2836=)

Gene: ANK3 (ankyrin 3; minus strand). Cytogenetic location: 10q21.2.
Variant type: single nucleotide variant.
Coding change: c.8508T>C on transcript NM_020987.5 (MANE Select); coding-DNA position 8508, T replaced by C.
Protein change: p.His2836=; no amino-acid change (histidine 2836 retained).
Molecular consequence: synonymous variant. On other transcripts: intron variant (4).
Genome position (GRCh38, 1-based): chr10:60,072,373, A>G on the plus strand (T>C on the coding strand, the complement: ANK3 is on the minus strand). VCF-style: chr10-60072373-A-G. GRCh37 (hg19) VCF-style: chr10-61832131-A-G.
Other names: c.4388-4364T>C (NM_001204403.2); c.4409-4364T>C (NM_001204404.2); c.4406-4364T>C (NM_001320874.2); c.1808-4364T>C (NM_001149.4).
Identifiers: ClinVar variation 210175 (VCV000210175.49), dbSNP rs11815168, ClinGen allele CA208410.
Genomic context (GRCh38, chr10:60,072,373, plus strand): 5'-CTCCCATGTTCTAAAGACCTTTTTGTCCCATGGTCCCCTAGTTGCTAAATCTGAGGTTAT[A>G]TGACATGCCAAGTCTTTAGCCTGCTGCTCAGAAAAAGAGTCAGGCATTGCTTTACTTGAC-3'
Protein context (NP_066267.2, residues 2826-2846): SEQQAKDLAC[His2836=]ITSDLATRGP

ClinVar aggregate classification (germline): Benign/Likely benign. Review status: criteria provided, multiple submitters, no conflicts (2 of 4 stars). 5 submissions from 5 submitters: Benign (1); Likely benign (4). Last evaluated 2026-09-01.

Allele frequency attached by ClinVar (database versions not stated): 1000 Genomes Project 0.00240; gnomAD 0.00395 and 0.00416; gnomAD exomes 0.00423 and 0.00630; TOPMed 0.00424; ExAC 0.00426; ESP Exome Variant Server 0.00515; 1000 Genomes Project 30x 0.00203.
gnomAD v4.1: 9,846 of 1,613,978 alleles (0.61%); highest among the groups gnomAD compares: Middle Eastern, 1.1%; 48 homozygotes.

Submissions (5):

CeGaT Center for Human Genetics Tuebingen
Classification: Likely benign. Last evaluated: 2026-09-01. Review status: criteria provided, single submitter. Criteria: CeGaT Center For Human Genetics Tuebingen Variant Classification Criteria Version 2. Collection method: clinical testing. Allele origin: germline. Affected: yes. Observed: 46 variant alleles.
Comment: ANK3: BP4, BP7, BS2

Labcorp Genetics (formerly Invitae), Labcorp
Classification: Benign. Last evaluated: 2026-02-02. Review status: criteria provided, single submitter. Criteria: Invitae Variant Classification Sherloc (09022015). Collection method: clinical testing. Allele origin: germline.

Blueprint Genetics
Classification: Likely benign. Last evaluated: 2024-11-26. Review status: criteria provided, single submitter. Criteria: ACMG Guidelines, 2015. Collection method: clinical testing. Allele origin: germline.

Genetic Services Laboratory, University of Chicago
Classification: Likely benign. Last evaluated: 2015-06-01. Review status: criteria provided, single submitter. Criteria: ACMG Guidelines, 2015. Collection method: clinical testing. Allele origin: germline.

Breakthrough Genomics
Classification: Likely benign. Review status: criteria provided, single submitter. Criteria: ACMG Guidelines, 2015. Collection method: not provided. Allele origin: germline. Inheritance: Autosomal recessive inheritance. Affected: yes.